The following is an entry in ClinVar:

ClinVar aggregate classification (germline): Uncertain significance (1 of 4 stars; one submission).

Conditions:
Alpha thalassemia-X-linked intellectual disability syndrome (ATRX). Also called: ALPHA-THALASSEMIA/MENTAL RETARDATION SYNDROME, X-LINKED; ATR, NONDELETION TYPE; ATR-X syndrome; Alpha thalassemia mental retardation syndrome, nondeletion type, X-linked; XLMR hypotonic face syndrome; X-linked alpha-thalassemia-mental retardation syndrome. Identifiers: Orphanet 847, MedGen C1845055, MONDO:0010519, OMIM 301040.

gnomAD v4.1: 3 of 1,211,007 alleles (0.00025%); highest among the groups gnomAD compares: Non-Finnish European, 0.00022%; no homozygotes.

Submission:

Labcorp Genetics (formerly Invitae), Labcorp
Classification: Uncertain significance for Alpha thalassemia-X-linked intellectual disability syndrome. Last evaluated: 2024-06-26. Review status: criteria provided, single submitter. Criteria: Invitae Variant Classification Sherloc (09022015). Collection method: clinical testing. Allele origin: germline.
Comment: This sequence change replaces threonine, which is neutral and polar, with alanine, which is neutral and non-polar, at codon 785 of the ATRX protein (p.Thr785Ala). This variant is not present in population databases (gnomAD no frequency). This variant has not been reported in the literature in individuals affected with ATRX-related conditions. Advanced modeling of protein sequence and biophysical properties (such as structural, functional, and spatial information, amino acid conservation, physicochemical variation, residue mobility, and thermodynamic stability) performed at Invitae indicates that this missense variant is not expected to disrupt ATRX protein function with a negative predictive value of 95%. In summary, the available evidence is currently insufficient to determine the role of this variant in disease. Therefore, it has been classified as a Variant of Uncertain Significance.

NM_000489.6(ATRX):c.2353A>G (p.Thr785Ala)

Gene: ATRX (ATRX chromatin remodeler; minus strand). Cytogenetic location: Xq21.1.
Variant type: single nucleotide variant.
Coding change: c.2353A>G on transcript NM_000489.6 (MANE Select); coding-DNA position 2353, A replaced by G.
Protein change: p.Thr785Ala; replaces threonine 785 with alanine.
Molecular consequence: missense variant.
Genome position (GRCh38, 1-based): chrX:77,682,903, T>C on the plus strand (A>G on the coding strand, the complement: ATRX is on the minus strand). VCF-style: chrX-77682903-T-C. GRCh37 (hg19) VCF-style: chrX-76938395-T-C.
Other names: c.2239A>G, p.Thr747Ala (NM_138270.5); short protein forms T785A, T747A.
Identifiers: ClinVar variation 3675849 (VCV003675849.2).